The following is an entry in ClinVar:

NC_000001.10:g.(?_63090910)_(63902691_?)dup

Genes: DOCK7 (dedicator of cytokinesis 7; minus strand), ATG4C (autophagy related 4C cysteine peptidase; plus strand), ALG6 (ALG6 alpha-1,3-glucosyltransferase; plus strand), FOXD3 (forkhead box D3; plus strand). Cytogenetic location: 1p31.3.
Variant type: Duplication.
Identifiers: ClinVar variation 2424083 (VCV002424083.7).

ClinVar aggregate classification (germline): Uncertain significance. Review status: criteria provided, single submitter (1 of 4 stars). 2 submissions from 1 submitter: Uncertain significance (2). Last evaluated 2023-08-24.

Conditions:
Developmental and epileptic encephalopathy, 23 (DEE23). Also called: Epileptic encephalopathy, early infantile, 23. Identifiers: Orphanet 411986, MedGen C4014492, MONDO:0014371, OMIM 615859.
ALG6-congenital disorder of glycosylation 1C (CDG1C). Also called: CARBOHYDRATE-DEFICIENT GLYCOPROTEIN SYNDROME, TYPE I, WITH DEFICIENT GLYCOSYLATION OF DOLICHOL-LINKED OLIGOSACCHARIDE; CARBOHYDRATE-DEFICIENT GLYCOPROTEIN SYNDROME, TYPE V; Congenital disorder of glycosylation, type Ic; Congenital disorder of glycosylation type 1C; CDG Ic. Identifiers: Orphanet 79320, MedGen C2930997, MONDO:0011291, OMIM 603147.

Submissions (2):

Labcorp Genetics (formerly Invitae), Labcorp
Classification: Uncertain significance for ALG6-congenital disorder of glycosylation 1C. Last evaluated: 2023-08-24. Review status: criteria provided, single submitter. Criteria: Invitae Variant Classification Sherloc (09022015). Collection method: clinical testing. Allele origin: unknown.
Comment: In summary, the available evidence is currently insufficient to determine the role of this variant in disease. Therefore, it has been classified as a Variant of Uncertain Significance. This variant has not been reported in the literature in individuals affected with ALG6-related conditions. A copy number gain of the genomic region encompassing the full coding sequence of the ALG6 gene has been identified. The boundaries of this event are unknown as they extend beyond the assayed region for this gene and therefore may encompass additional genes. As the precise location of this event is unknown, it may be in tandem or it may be located elsewhere in the genome.

Labcorp Genetics (formerly Invitae), Labcorp
Classification: Uncertain significance for Developmental and epileptic encephalopathy, 23. Last evaluated: 2022-10-13. Review status: criteria provided, single submitter. Criteria: Invitae Variant Classification Sherloc (09022015). Collection method: clinical testing. Allele origin: germline.
Comment: In summary, the available evidence is currently insufficient to determine the role of this variant in disease. Therefore, it has been classified as a Variant of Uncertain Significance. This variant has not been reported in the literature in individuals affected with DOCK7-related conditions. This variant results in a copy number gain of the genomic region encompassing exon(s) 1-12 of the DOCK7 gene. This region includes the initiator codon of the gene. This copy number gain extends beyond the assayed region for this gene and therefore may encompass additional genes. As the precise location of this event is unknown, it may be in tandem or it may be located elsewhere in the genome.